The following is an entry in ClinVar:

ClinVar aggregate classification (germline): Likely benign. Review status: criteria provided, single submitter (1 of 4 stars). 2 submissions from 2 submitters: Likely benign (1). 1 of the submissions does not count toward it. Last evaluated 2025-05-01.

Conditions:
KDM4B-related disorder. Also called: KDM4B-related condition.

Allele frequency attached by ClinVar (database versions not stated): ESP Exome Variant Server 0.00056; ExAC 0.00233.
gnomAD v4.1: 960 of 1,520,502 alleles (0.063%); highest among the groups gnomAD compares: Non-Finnish European, 0.071%; 7 homozygotes.

Submissions (2):

CeGaT Center for Human Genetics Tuebingen
Classification: Likely benign. Last evaluated: 2025-05-01. Review status: criteria provided, single submitter. Criteria: CeGaT Center For Human Genetics Tuebingen Variant Classification Criteria Version 2. Collection method: clinical testing. Allele origin: germline. Affected: yes. Observed: 6 variant alleles.
Comment: KDM4B: BS1

PreventionGenetics, part of Exact Sciences
Classification: Likely benign for KDM4B-related condition. Last evaluated: 2022-07-20. Review status: no assertion criteria provided. Collection method: clinical testing. Allele origin: germline. Not counted in ClinVar's aggregate classification.
Comment: This variant is classified as likely benign based on ACMG/AMP sequence variant interpretation guidelines (Richards et al. 2015 PMID: 25741868, with internal and published modifications).

NM_015015.3(KDM4B):c.3244G>C (p.Val1082Leu)

Gene: KDM4B (lysine demethylase 4B; plus strand). Cytogenetic location: 19p13.3.
Variant type: single nucleotide variant.
Coding change: c.3244G>C on transcript NM_015015.3 (MANE Select); coding-DNA position 3244, G replaced by C.
Protein change: p.Val1082Leu; replaces valine 1082 with leucine.
Molecular consequence: missense variant.
Genome position (GRCh38, 1-based): chr19:5,151,464, G>C. VCF-style: chr19-5151464-G-C. GRCh37 (hg19) VCF-style: chr19-5151475-G-C.
Other names: c.3244G>C (NM_015015.2); c.3346G>C, p.Val1116Leu (NM_001411148.1); short protein forms V1082L, V1116L.
Identifiers: ClinVar variation 2649108 (VCV002649108.25), dbSNP rs369236395, ClinGen allele CA9108535.